The following is an entry in ClinVar:

NM_020987.5(ANK3):c.2727G>A (p.Ala909=)

Gene: ANK3 (ankyrin 3; minus strand). Cytogenetic location: 10q21.2.
Variant type: single nucleotide variant.
Coding change: c.2727G>A on transcript NM_020987.5 (MANE Select); coding-DNA position 2727, G replaced by A.
Protein change: p.Ala909=; no amino-acid change (alanine 909 retained).
Molecular consequence: synonymous variant.
Genome position (GRCh38, 1-based): chr10:60,138,975, C>T on the plus strand (G>A on the coding strand, the complement: ANK3 is on the minus strand). VCF-style: chr10-60138975-C-T. GRCh37 (hg19) VCF-style: chr10-61898733-C-T.
Other names: c.129G>A, p.Ala43= (NM_001149.4); c.2709G>A, p.Ala903= (NM_001204403.2); c.2730G>A, p.Ala910= (NM_001204404.2); c.2727G>A, p.Ala909= (NM_001320874.2).
Identifiers: ClinVar variation 776514 (VCV000776514.12), dbSNP rs76540767, ClinGen allele CA5512686.

ClinVar aggregate classification (germline): Benign. Review status: criteria provided, multiple submitters, no conflicts (2 of 4 stars). 3 submissions from 3 submitters: Benign (2). 1 of the submissions does not count toward it. Last evaluated 2026-01-17.

Conditions:
ANK3-related disorder. Also called: ANK3-related condition.

Allele frequency attached by ClinVar (database versions not stated): 1000 Genomes Project 30x 0.01686; TOPMed 0.01412; ESP Exome Variant Server 0.01469; 1000 Genomes Project 0.01597.
gnomAD v4.1: 3,741 of 1,613,798 alleles (0.23%); highest among the groups gnomAD compares: African/African-American, 4.4%; 93 homozygotes.

Submissions (3):

Labcorp Genetics (formerly Invitae), Labcorp
Classification: Benign. Last evaluated: 2026-01-17. Review status: criteria provided, single submitter. Criteria: Invitae Variant Classification Sherloc (09022015). Collection method: clinical testing. Allele origin: germline.

Breakthrough Genomics
Classification: Benign. Review status: criteria provided, single submitter. Criteria: ACMG Guidelines, 2015. Collection method: not provided. Allele origin: germline. Inheritance: Autosomal recessive inheritance. Affected: yes.

PreventionGenetics, part of Exact Sciences
Classification: Benign for ANK3-related condition. Last evaluated: 2022-06-21. Review status: no assertion criteria provided. Collection method: clinical testing. Allele origin: germline. Not counted in ClinVar's aggregate classification.
Comment: This variant is classified as benign based on ACMG/AMP sequence variant interpretation guidelines (Richards et al. 2015 PMID: 25741868, with internal and published modifications).